The following is an entry in ClinVar:

NM_000540.3(RYR1):c.14100G>T (p.Gly4700=)

Gene: RYR1 (ryanodine receptor 1; plus strand). Cytogenetic location: 19q13.2.
Variant type: single nucleotide variant.
Coding change: c.14100G>T on transcript NM_000540.3 (MANE Select); coding-DNA position 14100, G replaced by T.
Protein change: p.Gly4700=; no amino-acid change (glycine 4700 retained).
Molecular consequence: synonymous variant.
Genome position (GRCh38, 1-based): chr19:38,573,278, G>T. VCF-style: chr19-38573278-G-T. GRCh37 (hg19) VCF-style: chr19-39063918-G-T.
Other names: c.14085G>T, p.Gly4695= (NM_001042723.2).
Identifiers: ClinVar variation 3071197 (VCV003071197.3), dbSNP rs1973807289, ClinGen allele CA507245179.

ClinVar aggregate classification (germline): Uncertain significance. Review status: criteria provided, single submitter (1 of 4 stars). 2 submissions from 2 submitters: Uncertain significance (1). 1 of the submissions does not count toward it. Last evaluated 2024-05-14.

Conditions:
RYR1-related disorder. Also called: RYR1-related condition; RYR1-related disorders. Identifiers: MedGen CN239331.
Malignant hyperthermia, susceptibility to, 1 (MHS1). Also called: Anesthesia related hyperthermia; Malignant hyperpyrexia; Fulminating hyperpyrexia; Pharmacogenic myopathy; RYR1-Related Malignant Hyperthermia Susceptibility; Malignant hyperthermia suceptibility 1. Identifiers: Orphanet 423, MedGen C2930980, MONDO:0007783, OMIM 145600.

gnomAD v4.1: 7 of 1,613,896 alleles (0.00043%); highest among the groups gnomAD compares: Non-Finnish European, 0.00059%; no homozygotes.

Submissions (2):

All of Us Research Program, National Institutes of Health
Classification: Uncertain significance for Malignant hyperthermia, susceptibility to, 1. Last evaluated: 2024-05-14. Review status: criteria provided, single submitter. Criteria: ACMG Guidelines, 2015. Collection method: clinical testing. Allele origin: germline. Inheritance: Autosomal dominant inheritance. Observed: 4 variant alleles, 4 heterozygotes.
Comment: This synonymous variant causes a G>T nucelotide change in exon 96 of the RYR1 gene. Splice site prediction tools suggest that this variant may have an impact on RNA splicing. To our knowledge, functional studies have not been reported for this variant. This variant has not been reported in individuals affected with RYR1-related disorders in the literature. This variant has not been identified in the general population by the Genome Aggregation Database (gnomAD). The available evidence is insufficient to determine the role of this variant in disease conclusively. Therefore, this variant is classified as a Variant of Uncertain Significance.

This study involves interpretation of variants in research participants for the purpose of population health screening. Participant phenotype was not available at the time of variant classification. Additional details can be found in publication PMID: 35346344, PMCID: PMC8962531

PreventionGenetics, part of Exact Sciences
Classification: Uncertain significance for RYR1-related condition. Last evaluated: 2024-03-15. Review status: no assertion criteria provided. Collection method: clinical testing. Allele origin: germline. Not counted in ClinVar's aggregate classification.
Comment: The RYR1 c.14100G>T variant is not predicted to result in an amino acid change (p.=). However, this variant is predicted to create a strong donor splice site within the exon and may result in aberrant splicing (SpliceAI, Jaganathan K, et al. 2019. PubMed ID: 30661751). To our knowledge, this variant has not been reported in the literature or in a large population database, indicating this variant is rare. At this time, the clinical significance of this variant is uncertain due to the absence of conclusive functional and genetic evidence.